The following is an entry in ClinVar:

NM_001384474.1(LOXHD1):c.703A>C (p.Lys235Gln)

Gene: LOXHD1 (lipoxygenase homology PLAT domains 1; minus strand). Cytogenetic location: 18q21.1.
Variant type: single nucleotide variant.
Coding change: c.703A>C on transcript NM_001384474.1 (MANE Select); coding-DNA position 703, A replaced by C.
Protein change: p.Lys235Gln; replaces lysine 235 with glutamine.
Molecular consequence: missense variant.
Genome position (GRCh38, 1-based): chr18:46,610,832, T>G on the plus strand (A>C on the coding strand, the complement: LOXHD1 is on the minus strand). VCF-style: chr18-46610832-T-G. GRCh37 (hg19) VCF-style: chr18-44190795-T-G.
Other names: c.703A>C, p.Lys235Gln (NM_144612.7); c.703A>C (NM_144612.6); short protein forms K235Q.
Identifiers: ClinVar variation 3624533 (VCV003624533.3).

ClinVar aggregate classification (germline): Uncertain significance. Review status: criteria provided, multiple submitters, no conflicts (2 of 4 stars). 2 submissions from 2 submitters: Uncertain significance (2). Last evaluated 2025-08-26.

Conditions:
Inborn genetic diseases. Identifiers: MedGen C0950123, MeSH D030342.

gnomAD v4.1: 4 of 1,551,630 alleles (0.00026%); highest among the groups gnomAD compares: Non-Finnish European, 0.00035%; no homozygotes.

Submissions (2):

Ambry Genetics
Classification: Uncertain significance for Inborn genetic diseases. Last evaluated: 2025-08-26. Review status: criteria provided, single submitter. Criteria: Ambry Variant Classification Scheme 2023. Collection method: clinical testing. Allele origin: germline.

Labcorp Genetics (formerly Invitae), Labcorp
Classification: Uncertain significance. Last evaluated: 2024-09-05. Review status: criteria provided, single submitter. Criteria: Invitae Variant Classification Sherloc (09022015). Collection method: clinical testing. Allele origin: germline.
Comment: This sequence change replaces lysine, which is basic and polar, with glutamine, which is neutral and polar, at codon 235 of the LOXHD1 protein (p.Lys235Gln). This variant is present in population databases (no rsID available, gnomAD 0.007%). This variant has not been reported in the literature in individuals affected with LOXHD1-related conditions. An algorithm developed to predict the effect of missense changes on protein structure and function (PolyPhen-2) suggests that this variant is likely to be disruptive. In summary, the available evidence is currently insufficient to determine the role of this variant in disease. Therefore, it has been classified as a Variant of Uncertain Significance.